The following is an entry in ClinVar:

NM_019032.6(ADAMTSL4):c.995C>G (p.Pro332Arg)

Genes: ADAMTSL4 (ADAMTS like 4; plus strand), ADAMTSL4-AS2 (ADAMTSL4 antisense RNA 2; minus strand). Cytogenetic location: 1q21.2.
Variant type: single nucleotide variant.
Coding change: c.995C>G on transcript NM_019032.6 (MANE Select); coding-DNA position 995, C replaced by G.
Protein change: p.Pro332Arg; replaces proline 332 with arginine.
Molecular consequence: missense variant.
Genome position (GRCh38, 1-based): chr1:150,553,986, C>G. VCF-style: chr1-150553986-C-G. GRCh37 (hg19) VCF-style: chr1-150526462-C-G.
Other names: c.995C>G, p.Pro332Arg (NM_001288607.2, NM_001288608.2, NM_001378596.1 and 1 more transcripts); short protein forms P332R.
Identifiers: ClinVar variation 1486435 (VCV001486435.6), dbSNP rs994203889, ClinGen allele CA30067088.
Genomic context (GRCh38, chr1:150,553,986, plus strand): 5'-AGGGCCAAGGGCCTTGGGGAACGGGGGGGACTCCTCACGGGCCCCGCCTGGAGCCTGACC[C>G]TCAGCACCCGGGCGCCTGGCTGCCCCTGCTGAGCAACGGCCCCCATGCCAGCTCCCTCTG-3'
Protein context (NP_061905.2, residues 322-342): TPHGPRLEPD[Pro332Arg]QHPGAWLPLL

ClinVar aggregate classification (germline): Uncertain significance (1 of 4 stars; one submission).

Submission:

Labcorp Genetics (formerly Invitae), Labcorp
Classification: Uncertain significance. Last evaluated: 2021-10-12. Review status: criteria provided, single submitter. Criteria: Invitae Variant Classification Sherloc (09022015). Collection method: clinical testing. Allele origin: germline.
Comment: In summary, the available evidence is currently insufficient to determine the role of this variant in disease. Therefore, it has been classified as a Variant of Uncertain Significance. Algorithms developed to predict the effect of missense changes on protein structure and function output the following: SIFT: "Tolerated"; PolyPhen-2: "Benign"; Align-GVGD: "Class C0". The arginine amino acid residue is found in multiple mammalian species, which suggests that this missense change does not adversely affect protein function. This variant has not been reported in the literature in individuals affected with ADAMTSL4-related conditions. This variant is not present in population databases (ExAC no frequency). This sequence change replaces proline with arginine at codon 332 of the ADAMTSL4 protein (p.Pro332Arg). The proline residue is highly conserved and there is a moderate physicochemical difference between proline and arginine.